The following is an entry in ClinVar:

ClinVar aggregate classification (germline): Likely pathogenic. Review status: criteria provided, single submitter (1 of 4 stars). 2 submissions from 2 submitters: Likely pathogenic (1). 1 of the submissions does not count toward it. Last evaluated 2025-02-05.

Conditions:
Leber congenital amaurosis 8 (LCA8). Identifiers: Orphanet 65, MedGen C3151202, MONDO:0013453, OMIM 613835.

Allele frequency attached by ClinVar (database versions not stated): gnomAD exomes below 0.00001.
gnomAD v4.1: 1 of 1,613,930 alleles (0.000062%); highest among the groups gnomAD compares: East Asian, 0.0022%; no homozygotes.

Submissions (2):

SingHealth Duke-NUS Institute of Precision Medicine
Classification: Likely pathogenic for Leber congenital amaurosis 8. Last evaluated: 2025-02-05. Review status: criteria provided, single submitter. Criteria: PRISM ACMG Classification Criteria. Collection method: clinical testing. Allele origin: germline. Affected: yes.
Comment: Variant is predicted to cause nonsense-mediated decay in a gene where LOF is a known cause of pathogenicity (PVS1). Variant is not found in gnomAD genomes and homozygous allele count in gnomAD exomes is less than 0 (PM2).

Laboratory of Genetics in Ophthalmology, Institut Imagine
Classification: Pathogenic for Leber congenital amaurosis 8. Review status: no assertion criteria provided. Collection method: research. Allele origin: inherited. Affected: yes. Observed: 1 variant allele. Not counted in ClinVar's aggregate classification.

Literature cited by the submitters: PubMed 17525851 (cited by Laboratory of Genetics in Ophthalmology, Institut Imagine).

NM_201253.3(CRB1):c.3153G>A (p.Trp1051Ter)

Gene: CRB1 (crumbs cell polarity complex component 1; plus strand). Cytogenetic location: 1q31.3.
Variant type: single nucleotide variant.
Coding change: c.3153G>A on transcript NM_201253.3 (MANE Select); coding-DNA position 3153, G replaced by A.
Protein change: p.Trp1051Ter; replaces tryptophan 1051 with a stop codon.
Molecular consequence: nonsense. On other transcripts: non-coding transcript variant (2), intron variant (1).
Genome position (GRCh38, 1-based): chr1:197,435,016, G>A. VCF-style: chr1-197435016-G-A. GRCh37 (hg19) VCF-style: chr1-197404146-G-A.
Other names: c.2817G>A, p.Trp939Ter (NM_001193640.2); c.3081G>A, p.Trp1027Ter (NM_001257965.2); c.2129-584G>A (NM_001257966.2); short protein forms W1027*, W1051*, W939*.
Identifiers: ClinVar variation 973932 (VCV000973932.2), dbSNP rs1249210332, ClinGen allele CA344046113.